The following is an entry in ClinVar:

ClinVar aggregate classification (germline): Conflicting classifications of pathogenicity. Review status: criteria provided, conflicting classifications (1 of 4 stars). 2 submissions from 2 submitters: Pathogenic (1); Uncertain significance (1). Last evaluated 2026-01-05.

Conditions:
Cardiomyopathy (CMYO). Also called: Cardiomyopathies. Identifiers: Orphanet 167848, MedGen C0878544, MONDO:0004994, HP:0001638. Inheritance: Various modes of inheritance.
Amyloidosis, hereditary systemic 1 (AMYLD1). Also called: Familial amyloid polyneuropathy; Transthyretin Amyloidosis; Hereditary oculoleptomeningeal amyloid angiopathy; Familial Transthyretin Amyloidosis; AMYLOID CARDIOMYOPATHY; Hereditary Transthyretin Amyloidosis. Identifiers: Orphanet 85447, Orphanet 85451, MedGen C2751492, MONDO:0971004, OMIM 105210.

Submissions (2):

Labcorp Genetics (formerly Invitae), Labcorp
Classification: Pathogenic for Amyloidosis, hereditary systemic 1. Last evaluated: 2026-01-05. Review status: criteria provided, single submitter. Criteria: Invitae Variant Classification Sherloc (09022015). Collection method: clinical testing. Allele origin: germline.
Comment: This sequence change replaces alanine, which is neutral and non-polar, with serine, which is neutral and polar, at codon 129 of the TTR protein (p.Ala129Ser). This variant is not present in population databases (gnomAD no frequency). This missense change has been observed in individual(s) with hereditary transthyretin-mediated amyloidosis (hATTR amyloidosis) (PMID: 9268242; internal data). This variant is also known as p.Ala109Ser. ClinVar contains an entry for this variant (Variation ID: 626843). Invitae Evidence Modeling of protein sequence and biophysical properties (such as structural, functional, and spatial information, amino acid conservation, physicochemical variation, residue mobility, and thermodynamic stability) indicates that this missense variant is expected to disrupt TTR protein function with a positive predictive value of 80%. This variant disrupts the p.Ala129 amino acid residue in TTR. Other variant(s) that disrupt this residue have been observed in individuals with TTR-related conditions (PMID: 28635949), which suggests that this may be a clinically significant amino acid residue. For these reasons, this variant has been classified as Pathogenic.

CHEO Genetics Diagnostic Laboratory, Children's Hospital of Eastern Ontario
Classification: Uncertain significance for Cardiomyopathy. Last evaluated: 2015-12-01. Review status: criteria provided, single submitter. Criteria: ACMG Guidelines, 2015. Collection method: clinical testing. Allele origin: germline. Study: Canadian Open Genetics Repository.

Literature cited by the submitters: PubMed 9268242 (cited by Labcorp Genetics (formerly Invitae), Labcorp); PubMed 28635949 (cited by Labcorp Genetics (formerly Invitae), Labcorp).

NM_000371.4(TTR):c.385G>T (p.Ala129Ser)

Gene: TTR (transthyretin; plus strand). Cytogenetic location: 18q12.1.
Variant type: single nucleotide variant.
Coding change: c.385G>T on transcript NM_000371.4 (MANE Select); coding-DNA position 385, G replaced by T.
Protein change: p.Ala129Ser; replaces alanine 129 with serine.
Molecular consequence: missense variant.
Genome position (GRCh38, 1-based): chr18:31,598,616, G>T. VCF-style: chr18-31598616-G-T. GRCh37 (hg19) VCF-style: chr18-29178579-G-T.
Other names: short protein forms A129S.
Identifiers: ClinVar variation 626843 (VCV000626843.10), dbSNP rs267607159, ClinGen allele CA402158207.